The following is an entry in ClinVar:

NM_006017.3(PROM1):c.2329dup (p.Thr777fs)

Gene: PROM1 (prominin 1; minus strand). Cytogenetic location: 4p15.32.
Variant type: Duplication.
Coding change: c.2329dup on transcript NM_006017.3 (MANE Select); coding-DNA position 2329, one base duplicated (A; older notation c.2329dupA).
Protein change: p.Thr777fs; shifts the reading frame from threonine 777.
Molecular consequence: frameshift variant.
Genome position (GRCh38, 1-based): chr4:15,984,307, T duplicated on the plus strand (A on the coding strand, the reverse complement: PROM1 is on the minus strand). VCF-style (leftmost placement, unchanged base first): chr4-15984306-G-GT. GRCh37 (hg19) VCF-style: chr4-15985929-G-GT.
Other names: c.2302dup, p.Thr768fs (NM_001145847.2, NM_001145848.2, NM_001145851.2 and 4 more transcripts); c.2329dup, p.Thr777fs (NM_001145849.2, NM_001145850.2); c.2329dupA (NM_006017.3); short protein forms T768fs, T777fs.
Identifiers: ClinVar variation 1075844 (VCV001075844.8), dbSNP rs2149068027, ClinGen allele CA2499217154.

ClinVar aggregate classification (germline): Pathogenic. Review status: criteria provided, multiple submitters, no conflicts (2 of 4 stars). 2 submissions from 2 submitters: Pathogenic (2). Last evaluated 2024-07-12.

Conditions:
PROM1-related disorder. Also called: PROM1-related disorders; PROM1-related condition.

Submissions (2):

Women's Health and Genetics/Laboratory Corporation of America, LabCorp
Classification: Pathogenic for PROM1-Related Disorders. Last evaluated: 2024-07-12. Review status: criteria provided, single submitter. Criteria: LabCorp Variant Classification Summary - May 2015. Collection method: clinical testing. Allele origin: germline.
Comment: Variant summary: PROM1 c.2329dupA (p.Thr777AsnfsX4) results in a premature termination codon, predicted to cause a truncation of the encoded protein or absence of the protein due to nonsense mediated decay, which are commonly known mechanisms for disease. The variant was absent in 243464 control chromosomes. To our knowledge, no occurrence of c.2329dupA in individuals affected with PROM1-Related Disorders and no experimental evidence demonstrating its impact on protein function have been reported. ClinVar contains an entry for this variant (Variation ID: 1075844). Based on the evidence outlined above, the variant was classified as pathogenic.

Labcorp Genetics (formerly Invitae), Labcorp
Classification: Pathogenic. Last evaluated: 2023-08-30. Review status: criteria provided, single submitter. Criteria: Invitae Variant Classification Sherloc (09022015). Collection method: clinical testing. Allele origin: germline.
Comment: Algorithms developed to predict the effect of sequence changes on RNA splicing suggest that this variant may disrupt the consensus splice site. For these reasons, this variant has been classified as Pathogenic. ClinVar contains an entry for this variant (Variation ID: 1075844). This sequence change creates a premature translational stop signal (p.Thr777Asnfs*4) in the PROM1 gene. It is expected to result in an absent or disrupted protein product. Loss-of-function variants in PROM1 are known to be pathogenic (PMID: 17605048, 19718270, 24154662, 25474345). This variant is not present in population databases (gnomAD no frequency). This variant has not been reported in the literature in individuals affected with PROM1-related conditions.

Literature cited by the submitters: PubMed 17605048 (cited by Labcorp Genetics (formerly Invitae), Labcorp); PubMed 19718270 (cited by Labcorp Genetics (formerly Invitae), Labcorp); PubMed 24154662 (cited by Labcorp Genetics (formerly Invitae), Labcorp); PubMed 25474345 (cited by Labcorp Genetics (formerly Invitae), Labcorp).